The following is an entry in ClinVar:

NM_000532.5(PCCB):c.1123_1124delinsCT (p.Ala375Leu)

Gene: PCCB (propionyl-CoA carboxylase subunit beta; plus strand). Cytogenetic location: 3q22.3.
Variant type: Indel.
Coding change: c.1123_1124delinsCT on transcript NM_000532.5 (MANE Select); coding-DNA positions 1123 to 1124, GC replaced by CT.
Protein change: p.Ala375Leu; replaces alanine 375 with leucine.
Molecular consequence: missense variant.
Genome position (GRCh38, 1-based): chr3:136,326,835-136,326,836, GC replaced by CT. VCF-style: chr3-136326835-GC-CT. GRCh37 (hg19) VCF-style: chr3-136045677-GC-CT.
Other names: c.1183_1184delinsCT, p.Ala395Leu (NM_001178014.2); short protein forms A375L, A395L.
Identifiers: ClinVar variation 2193484 (VCV002193484.2), dbSNP rs2529970355, ClinGen allele CA2580068860.

ClinVar aggregate classification (germline): Uncertain significance (1 of 4 stars; one submission).

Conditions:
Propionic acidemia (PROP). Also called: GLYCINEMIA, KETOTIC; HYPERGLYCINEMIA WITH KETOACIDOSIS AND LEUKOPENIA; KETOTIC HYPERGLYCINEMIA. Identifiers: Orphanet 35, MedGen C0268579, MONDO:0011628, OMIM 606054, HP:0003571.

Submission:

Labcorp Genetics (formerly Invitae), Labcorp
Classification: Uncertain significance for Propionic acidemia. Last evaluated: 2022-07-28. Review status: criteria provided, single submitter. Criteria: Invitae Variant Classification Sherloc (09022015). Collection method: clinical testing. Allele origin: germline.
Comment: In summary, the available evidence is currently insufficient to determine the role of this variant in disease. Therefore, it has been classified as a Variant of Uncertain Significance. Algorithms developed to predict the effect of missense changes on protein structure and function are either unavailable or do not agree on the potential impact of this missense change (SIFT: "Not Available"; PolyPhen-2: "Probably Damaging"; Align-GVGD: "Not Available"). This variant has not been reported in the literature in individuals affected with PCCB-related conditions. Information on the frequency of this variant in the gnomAD database is not available, as this variant may be reported differently in the database. This sequence change replaces alanine, which is neutral and non-polar, with leucine, which is neutral and non-polar, at codon 375 of the PCCB protein (p.Ala375Leu).